The following is an entry in ClinVar:

ClinVar aggregate classification (germline): Uncertain significance. Review status: criteria provided, multiple submitters, no conflicts (2 of 4 stars). 2 submissions from 2 submitters: Uncertain significance (2). Last evaluated 2024-04-16.

Conditions:
Malignant hyperthermia, susceptibility to, 1 (MHS1). Also called: RYR1-Related Malignant Hyperthermia Susceptibility; Malignant hyperthermia suceptibility 1; Anesthesia related hyperthermia; Malignant hyperpyrexia; Fulminating hyperpyrexia; Pharmacogenic myopathy. Identifiers: Orphanet 423, MedGen C2930980, MONDO:0007783, OMIM 145600.

Allele frequency attached by ClinVar (database versions not stated): TOPMed 0.00002; gnomAD 0.00003.

Submissions (2):

All of Us Research Program, National Institutes of Health
Classification: Uncertain significance for Malignant hyperthermia, susceptibility to, 1. Last evaluated: 2024-04-16. Review status: criteria provided, single submitter. Criteria: ACMG Guidelines, 2015. Collection method: clinical testing. Allele origin: germline. Inheritance: Autosomal dominant inheritance. Observed: 1 variant allele, 1 heterozygote.
Comment: This missense variant replaces alanine with valine at codon 2533 of the RYR1 protein. Computational prediction is inconclusive regarding the impact of this variant on protein structure and function (internally defined REVEL score threshold 0.5 < inconclusive < 0.7, PMID: 27666373). To our knowledge, functional studies have not been reported for this variant. This variant has not been reported in individuals affected with RYR1-related disorders in the literature. This variant has not been identified in the general population by the Genome Aggregation Database (gnomAD). The available evidence is insufficient to determine the role of this variant in disease conclusively. Therefore, this variant is classified as a Variant of Uncertain Significance.

This study involves interpretation of variants in research participants for the purpose of population health screening. Participant phenotype was not available at the time of variant classification. Additional details can be found in publication PMID: 35346344, PMCID: PMC8962531

GeneDx
Classification: Uncertain significance. Last evaluated: 2017-04-03. Review status: criteria provided, single submitter. Criteria: GeneDx Variant Classification (06012015). Collection method: clinical testing. Allele origin: germline. Affected: yes.
Comment: The A2533V variant in the RYR1 gene has not been reported previously as a pathogenic variant, nor as a benign variant, to our knowledge. The A2533V variant is not observed in large population cohorts (Lek et al., 2016; 1000 Genomes Consortium et al., 2015; Exome Variant Server). The A2533V variant is a conservative amino acid substitution, which is not likely to impact secondary protein structure as these residues share similar properties. This substitution occurs at a position that is conserved in mammals. In silico analysis predicts this variant is probably damaging to the protein structure/function. We interpret A2533V as a variant of uncertain significance.

NM_000540.3(RYR1):c.7598C>T (p.Ala2533Val)

Gene: RYR1 (ryanodine receptor 1; plus strand). Cytogenetic location: 19q13.2.
Variant type: single nucleotide variant.
Coding change: c.7598C>T on transcript NM_000540.3 (MANE Select); coding-DNA position 7598, C replaced by T.
Protein change: p.Ala2533Val; replaces alanine 2533 with valine.
Molecular consequence: missense variant.
Genome position (GRCh38, 1-based): chr19:38,500,974, C>T. VCF-style: chr19-38500974-C-T. GRCh37 (hg19) VCF-style: chr19-38991614-C-T.
Other names: c.7598C>T, p.Ala2533Val (NM_001042723.2); short protein forms A2533V.
Identifiers: ClinVar variation 426809 (VCV000426809.3), dbSNP rs1085307809, ClinGen allele CA405670584.
Genomic context (GRCh38, chr19:38,500,974, plus strand): 5'-AGAACCAGGACTTCTTGCTGCACGTGCTGGACGTGGGGTTCCTGCCCGACATGAGGGCAG[C>T]CGCCTCGCTGGACACGGTGAGCAACCCTGCCCAGCCTGGCCACCCTCCCCACTTCCACAG-3'
Protein context (NP_000531.2, residues 2523-2543): DVGFLPDMRA[Ala2533Val]ASLDTATFST